The following is an entry in ClinVar:

ClinVar aggregate classification (germline): Uncertain significance (1 of 4 stars; one submission).

Conditions:
CAMK2G-related syndromic intellectual disability.

Allele frequency attached by ClinVar (database versions not stated): ExAC below 0.00001; gnomAD exomes 0.00002; gnomAD 0.00003; TOPMed 0.00003.
gnomAD v4.1: 35 of 1,601,736 alleles (0.0022%); highest among the groups gnomAD compares: Middle Eastern, 0.017%; no homozygotes.

Submission:

Illumina Laboratory Services, Illumina
Classification: Uncertain significance for CAMK2G-related syndromic intellectual disability. Last evaluated: 2020-01-30. Review status: criteria provided, single submitter. Criteria: ICSLVariantClassificationCriteria RUGD 01 April 2020. Collection method: clinical testing. Allele origin: unknown.
Comment: The CAMK2G c.1618G>A (p.Asp540Asn) variant is a missense variant. A literature search was performed for the gene, cDNA change, and amino acid change. No publications were found based on this search. This variant is not found in the Genome Aggregation Database in a region of good sequence coverage, so the variant is presumed to be rare. Based on the limited evidence, the p.Asp540Asn variant is classified as a variant of unknown significance for CAMK2G-related syndromic intellectual disability.

NM_001367534.1(CAMK2G):c.1534+153G>A

Gene: CAMK2G (calcium/calmodulin dependent protein kinase II gamma; minus strand). Cytogenetic location: 10q22.2.
Variant type: single nucleotide variant.
Coding change: c.1534+153G>A on transcript NM_001367534.1 (MANE Select); 153 bases into the intron after coding-DNA position 1534, G replaced by A.
Molecular consequence: intron variant. On other transcripts: missense variant (13), 3 prime UTR variant (2).
Genome position (GRCh38, 1-based): chr10:73,816,870, C>T on the plus strand (G>A on the coding strand, the complement: CAMK2G is on the minus strand). VCF-style: chr10-73816870-C-T. GRCh37 (hg19) VCF-style: chr10-75576628-C-T.
Other names: c.1618G>A, p.Asp540Asn (NM_001320898.2); c.1567G>A, p.Asp523Asn (NM_001367514.1); c.1441G>A, p.Asp481Asn (NM_001367519.1); c.1549G>A, p.Asp517Asn (NM_001367520.1); c.1540G>A, p.Asp514Asn (NM_001367521.1); c.1555G>A, p.Asp519Asn (NM_001367522.1); c.1504G>A, p.Asp502Asn (NM_001367523.1); c.1372G>A, p.Asp458Asn (NM_001367524.1); and 28 more; short protein forms D366N, D493N, D519N, D470N, D481N, D502N, D540N, D248N.
Identifiers: ClinVar variation 873494 (VCV000873494.4), dbSNP rs757705577, ClinGen allele CA5561655.